The following is an entry in ClinVar:

ClinVar aggregate classification (germline): Conflicting classifications of pathogenicity. Review status: criteria provided, conflicting classifications (1 of 4 stars). 2 submissions from 2 submitters: Uncertain significance (1); Likely benign (1). Last evaluated 2023-03-23.

Conditions:
Hereditary cancer-predisposing syndrome. Also called: Neoplastic Syndromes, Hereditary; Tumor predisposition; Hereditary Cancer Syndrome; Hereditary neoplastic syndrome. Identifiers: Orphanet 140162, MedGen C0027672, MeSH D009386, MONDO:0015356.

Submissions (2):

University of Washington Department of Laboratory Medicine, University of Washington
Classification: Likely benign for Hereditary cancer-predisposing syndrome. Last evaluated: 2023-03-23. Review status: criteria provided, single submitter. Criteria: Dines et al. (Genet Med. 2020). Collection method: curation. Allele origin: germline.
Comment: Missense variant in a coldspot region where missense variants are very unlikely to be pathogenic (PMID:31911673).

BRCA2 exon 11 coldspot. Reclassification based on statistical prior probability.

Ambry Genetics
Classification: Uncertain significance for Hereditary cancer-predisposing syndrome. Last evaluated: 2021-06-11. Review status: criteria provided, single submitter. Criteria: Ambry Variant Classification Scheme 2023. Collection method: clinical testing. Allele origin: germline.
Comment: The p.E2198Q variant (also known as c.6592G>C), located in coding exon 10 of the BRCA2 gene, results from a G to C substitution at nucleotide position 6592. The glutamic acid at codon 2198 is replaced by glutamine, an amino acid with highly similar properties. This amino acid position is not well conserved in available vertebrate species. In addition, the in silico prediction for this alteration is inconclusive. Since supporting evidence is limited at this time, the clinical significance of this alteration remains unclear.

NM_000059.4(BRCA2):c.6592G>C (p.Glu2198Gln)

Gene: BRCA2 (BRCA2 DNA repair associated; plus strand). Cytogenetic location: 13q13.1.
Variant type: single nucleotide variant.
Coding change: c.6592G>C on transcript NM_000059.4 (MANE Select); coding-DNA position 6592, G replaced by C.
Protein change: p.Glu2198Gln; replaces glutamic acid 2198 with glutamine.
Molecular consequence: missense variant.
Genome position (GRCh38, 1-based): chr13:32,340,947, G>C. VCF-style: chr13-32340947-G-C. GRCh37 (hg19) VCF-style: chr13-32915084-G-C.
Other names: c.6592G>C, p.Glu2198Gln (NM_001406719.1, NM_001406720.1); short protein forms E2198Q.
Identifiers: ClinVar variation 1754368 (VCV001754368.4), dbSNP rs1555284766, ClinGen allele CA387790032.